The following is an entry in ClinVar:

ClinVar aggregate classification (germline): Uncertain significance (1 of 4 stars; one submission).

Conditions:
Familial cancer of breast. Also called: Hereditary breast cancer; hereditary breast carcinoma; BREAST CANCER, FAMILIAL. Identifiers: Orphanet 227535, MedGen C0346153, MONDO:0016419, OMIM 114480. Disease mechanism: loss of function.

Submission:

Labcorp Genetics (formerly Invitae), Labcorp
Classification: Uncertain significance for Familial cancer of breast. Last evaluated: 2019-11-10. Review status: criteria provided, single submitter. Criteria: Invitae Variant Classification Sherloc (09022015). Collection method: clinical testing. Allele origin: germline.
Comment: In summary, the available evidence is currently insufficient to determine the role of this variant in disease. Therefore, it has been classified as a Variant of Uncertain Significance. Algorithms developed to predict the effect of missense changes on protein structure and function are either unavailable or do not agree on the potential impact of this missense change (SIFT: "Deleterious"; PolyPhen-2: "Probably Damaging"; Align-GVGD: "Class C0"). This variant has not been reported in the literature in individuals with CHEK2-related conditions. This variant is not present in population databases (ExAC no frequency). This sequence change replaces leucine with proline at codon 462 of the CHEK2 protein (p.Leu462Pro). The leucine residue is highly conserved and there is a moderate physicochemical difference between leucine and proline.

NM_007194.4(CHEK2):c.1385T>C (p.Leu462Pro)

Gene: CHEK2 (checkpoint kinase 2; minus strand). Cytogenetic location: 22q12.1.
Variant type: single nucleotide variant.
Coding change: c.1385T>C on transcript NM_007194.4 (MANE Select); coding-DNA position 1385, T replaced by C.
Protein change: p.Leu462Pro; replaces leucine 462 with proline.
Molecular consequence: missense variant.
Genome position (GRCh38, 1-based): chr22:28,694,108, A>G on the plus strand (T>C on the coding strand, the complement: CHEK2 is on the minus strand). VCF-style: chr22-28694108-A-G. GRCh37 (hg19) VCF-style: chr22-29090096-A-G.
Other names: c.1514T>C, p.Leu505Pro (NM_001005735.3); c.722T>C, p.Leu241Pro (NM_001257387.3); c.1184T>C, p.Leu395Pro (NM_001349956.3); c.1298T>C, p.Leu433Pro (NM_145862.3); short protein forms L462P, L395P, L433P, L241P, L505P.
Identifiers: ClinVar variation 947107 (VCV000947107.10), dbSNP rs2052473264, ClinGen allele CA411094519.
Genomic context (GRCh38, chr22:28,694,108, plus strand): 5'-CTTAAGGCTTCTTCTGTCGTAAAACGTGCCTTTGGATCCACTACCAACAACTTCTTGACA[A>G]GGTCCAGAGCTAAAGCAACAATTGGGCAAATCACAGTGAAAAGGATAAATATATTATCAG-3'
Protein context (NP_009125.1, residues 452-472): WAEVSEKALD[Leu462Pro]VKKLLVVDPK